The following is an entry in ClinVar:

NM_006767.4(LZTR1):c.1522C>T (p.Leu508=)

Gene: LZTR1 (leucine zipper like post translational regulator 1; plus strand). Cytogenetic location: 22q11.21.
Variant type: single nucleotide variant.
Coding change: c.1522C>T on transcript NM_006767.4 (MANE Select); coding-DNA position 1522, C replaced by T.
Protein change: p.Leu508=; no amino-acid change (leucine 508 retained).
Molecular consequence: synonymous variant.
Genome position (GRCh38, 1-based): chr22:20,994,176, C>T. VCF-style: chr22-20994176-C-T. GRCh37 (hg19) VCF-style: chr22-21348465-C-T.
Identifiers: ClinVar variation 1774457 (VCV001774457.4), dbSNP rs1025841516, ClinGen allele CA322269102.

ClinVar aggregate classification (germline): Conflicting classifications of pathogenicity. Review status: criteria provided, conflicting classifications (1 of 4 stars). 3 submissions from 3 submitters: Uncertain significance (1); Likely benign (2). Last evaluated 2025-06-09.

Conditions:
Cardiovascular phenotype. Identifiers: MedGen CN230736.
Hereditary cancer-predisposing syndrome. Also called: Hereditary Cancer Syndrome; Hereditary neoplastic syndrome; Neoplastic Syndromes, Hereditary; Tumor predisposition. Identifiers: Orphanet 140162, MedGen C0027672, MeSH D009386, MONDO:0015356.

Allele frequency attached by ClinVar (database versions not stated): TOPMed 0.00001.
gnomAD v4.1: 4 of 1,601,878 alleles (0.00025%); highest among the groups gnomAD compares: Non-Finnish European, 0.00034%; no homozygotes.

Submissions (3):

Labcorp Genetics (formerly Invitae), Labcorp
Classification: Likely benign. Last evaluated: 2025-06-09. Review status: criteria provided, single submitter. Criteria: Invitae Variant Classification Sherloc (09022015). Collection method: clinical testing. Allele origin: germline.

GeneDx
Classification: Uncertain significance. Last evaluated: 2023-11-16. Review status: criteria provided, single submitter. Criteria: GeneDx Variant Classification Process June 2021. Collection method: clinical testing. Allele origin: germline. Affected: yes.
Comment: Not observed at significant frequency in large population cohorts (gnomAD); In silico analysis supports that this variant does not alter splicing; Has not been previously published as pathogenic or benign to our knowledge

Ambry Genetics
Classification: Likely benign for Cardiovascular phenotype; Hereditary cancer-predisposing syndrome. Last evaluated: 2021-04-20. Review status: criteria provided, single submitter. Criteria: Ambry Variant Classification Scheme 2023. Collection method: clinical testing. Allele origin: germline.